The following is an entry in ClinVar:

ClinVar aggregate classification (germline): Uncertain significance. Review status: criteria provided, multiple submitters, no conflicts (2 of 4 stars). 2 submissions from 2 submitters: Uncertain significance (2). Last evaluated 2026-01-10.

Conditions:
Cardiovascular phenotype. Identifiers: MedGen CN230736.
Capillary malformation-arteriovenous malformation syndrome. Also called: Capillary malformation-arteriovenous malformation. Identifiers: Orphanet 137667, MedGen C1842180, MONDO:0012016.

Allele frequency attached by ClinVar (database versions not stated): gnomAD exomes 0.00002; TOPMed below 0.00001.
gnomAD v4.1: 21 of 1,612,134 alleles (0.0013%); highest among the groups gnomAD compares: Non-Finnish European, 0.0018%; no homozygotes.

Submissions (2):

Ambry Genetics
Classification: Uncertain significance for Cardiovascular phenotype. Last evaluated: 2026-01-10. Review status: criteria provided, single submitter. Criteria: Ambry Variant Classification Scheme 2023. Collection method: clinical testing. Allele origin: germline.
Comment: The p.T404A variant (also known as c.1210A>G), located in coding exon 8 of the RASA1 gene, results from an A to G substitution at nucleotide position 1210. The threonine at codon 404 is replaced by alanine, an amino acid with similar properties. This amino acid position is conserved. In addition, the in silico prediction for this alteration is inconclusive. Based on the available evidence, the clinical significance of this variant remains unclear.

Labcorp Genetics (formerly Invitae), Labcorp
Classification: Uncertain significance for Capillary malformation-arteriovenous malformation syndrome. Last evaluated: 2025-03-30. Review status: criteria provided, single submitter. Criteria: Invitae Variant Classification Sherloc (09022015). Collection method: clinical testing. Allele origin: germline.
Comment: This sequence change replaces threonine, which is neutral and polar, with alanine, which is neutral and non-polar, at codon 404 of the RASA1 protein (p.Thr404Ala). This variant is present in population databases (rs560064316, gnomAD 0.0009%). This variant has not been reported in the literature in individuals affected with RASA1-related conditions. ClinVar contains an entry for this variant (Variation ID: 2743269). An algorithm developed to predict the effect of missense changes on protein structure and function (PolyPhen-2) suggests that this variant is likely to be disruptive. In summary, the available evidence is currently insufficient to determine the role of this variant in disease. Therefore, it has been classified as a Variant of Uncertain Significance.

NM_002890.3(RASA1):c.1210A>G (p.Thr404Ala)

Genes: CCNH (cyclin H; minus strand), RASA1 (RAS p21 protein activator 1; plus strand). Cytogenetic location: 5q14.3.
Variant type: single nucleotide variant.
Coding change: c.1210A>G on transcript NM_002890.3 (MANE Select); coding-DNA position 1210, A replaced by G.
Protein change: p.Thr404Ala; replaces threonine 404 with alanine.
Molecular consequence: missense variant. On other transcripts: intron variant (1).
Genome position (GRCh38, 1-based): chr5:87,349,321, A>G. VCF-style: chr5-87349321-A-G. GRCh37 (hg19) VCF-style: chr5-86645138-A-G.
Other names: c.679A>G, p.Thr227Ala (NM_022650.3); c.934-36526T>C (NM_001364075.2); short protein forms T227A, T404A.
Identifiers: ClinVar variation 2743269 (VCV002743269.4), dbSNP rs560064316, ClinGen allele CA121789920.